The following is an entry in ClinVar:

ClinVar aggregate classification (germline): Likely benign (1 of 4 stars; one submission).

gnomAD v4.1: 2 of 990,658 alleles (0.0002%); highest among the groups gnomAD compares: Admixed American, 0.012%; no homozygotes.

Submission:

CeGaT Center for Human Genetics Tuebingen
Classification: Likely benign. Last evaluated: 2026-07-01. Review status: criteria provided, single submitter. Criteria: CeGaT Center For Human Genetics Tuebingen Variant Classification Criteria Version 2. Collection method: clinical testing. Allele origin: germline. Affected: yes. Observed: 1 variant allele.
Comment: TBC1D2B: BP4, BP7

NM_144572.2(TBC1D2B):c.6G>A (p.Pro2=)

Genes: TBC1D2B (TBC1 domain family member 2B; minus strand), LOC130057679 (ATAC-STARR-seq lymphoblastoid silent region 6703; plus strand). Cytogenetic location: 15q25.1.
Variant type: single nucleotide variant.
Coding change: c.6G>A on transcript NM_144572.2 (MANE Select); coding-DNA position 6, G replaced by A.
Protein change: p.Pro2=; no amino-acid change (proline 2 retained).
Molecular consequence: synonymous variant.
Genome position (GRCh38, 1-based): chr15:78,077,647, C>T on the plus strand (G>A on the coding strand, the complement: TBC1D2B is on the minus strand). VCF-style: chr15-78077647-C-T. GRCh37 (hg19) VCF-style: chr15-78369989-C-T.
Other names: c.6G>A, p.Pro2= (NM_001387142.1, NM_001387143.1, NM_001387144.1 and 1 more transcripts).
Identifiers: ClinVar variation 5039663 (VCV005039663.1).